The following is an entry in ClinVar:

NM_000368.5(TSC1):c.1029+4T>C

Gene: TSC1 (TSC complex subunit 1; minus strand). Cytogenetic location: 9q34.13.
Variant type: single nucleotide variant.
Coding change: c.1029+4T>C on transcript NM_000368.5 (MANE Select); 4 bases into the intron after coding-DNA position 1029, T replaced by C.
Molecular consequence: intron variant.
Genome position (GRCh38, 1-based): chr9:132,911,449, A>G on the plus strand (T>C on the coding strand, the complement: TSC1 is on the minus strand). VCF-style: chr9-132911449-A-G. GRCh37 (hg19) VCF-style: chr9-135786836-A-G.
Other names: c.666+4T>C (NM_001362177.2); c.876+4T>C (NM_001162427.2); c.1029+4T>C (NM_001162426.2, NM_000368.4).
Identifiers: ClinVar variation 1488687 (VCV001488687.8), dbSNP rs772962741, ClinGen allele CA026793.

ClinVar aggregate classification (germline): Uncertain significance. Review status: criteria provided, multiple submitters, no conflicts (2 of 4 stars). 3 submissions from 3 submitters: Uncertain significance (3). Last evaluated 2025-11-26.

Conditions:
Tuberous sclerosis syndrome (TSC). Also called: Tuberous Sclerosis Complex; Tuberous sclerosis. Identifiers: Orphanet 805, MedGen C0041341, MONDO:0001734.
Hereditary cancer-predisposing syndrome. Also called: Neoplastic Syndromes, Hereditary; Tumor predisposition; Hereditary neoplastic syndrome; Hereditary Cancer Syndrome. Identifiers: Orphanet 140162, MedGen C0027672, MeSH D009386, MONDO:0015356.
Tuberous sclerosis 1 (TSC1). Identifiers: Orphanet 805, MedGen C1854465, MONDO:0008612, OMIM 191100.

Allele frequency attached by ClinVar (database versions not stated): gnomAD exomes below 0.00001; ExAC 0.00001.
gnomAD v4.1: 3 of 1,604,304 alleles (0.00019%); highest among the groups gnomAD compares: Admixed American, 0.0017%; no homozygotes.

Submissions (3):

Ambry Genetics
Classification: Uncertain significance for Hereditary cancer-predisposing syndrome. Last evaluated: 2025-11-26. Review status: criteria provided, single submitter. Criteria: Ambry Variant Classification Scheme 2023. Collection method: clinical testing. Allele origin: germline.
Comment: The c.1029+4T>C intronic variant results from a T to C substitution 4 nucleotides after coding exon 8 in the TSC1 gene. This nucleotide position is well conserved in available vertebrate species. In silico splice site analysis predicts that this alteration will not have any significant effect on splicing. Based on the available evidence, the clinical significance of this variant remains unclear.

All of Us Research Program, National Institutes of Health
Classification: Uncertain significance for Tuberous sclerosis syndrome. Last evaluated: 2023-06-26. Review status: criteria provided, single submitter. Criteria: ACMG Guidelines, 2015. Collection method: clinical testing. Allele origin: germline. Inheritance: Autosomal dominant inheritance. Observed: 1 variant allele, 1 heterozygote.
Comment: This variant causes a T to C nucleotide substitution at the +4 position of intron 10 of the TSC1 gene. To our knowledge, functional studies have not been reported for this variant. This variant has not been reported in individuals affected with TSC1-related disorders in the literature. This variant has been identified in 1/251306 chromosomes in the general population by the Genome Aggregation Database (gnomAD). The available evidence is insufficient to determine the role of this variant in disease conclusively. Therefore, this variant is classified as a Variant of Uncertain Significance.

This study involves interpretation of variants in research participants for the purpose of population health screening. Participant phenotype was not available at the time of variant classification. Additional details can be found in publication PMID: 35346344, PMCID: PMC8962531

Labcorp Genetics (formerly Invitae), Labcorp
Classification: Uncertain significance for Tuberous sclerosis 1. Last evaluated: 2020-11-25. Review status: criteria provided, single submitter. Criteria: Invitae Variant Classification Sherloc (09022015). Collection method: clinical testing. Allele origin: germline.
Comment: This variant has not been reported in the literature in individuals with TSC1-related conditions. This variant is present in population databases (rs772962741, ExAC 0.006%). This sequence change falls in intron 10 of the TSC1 gene. It does not directly change the encoded amino acid sequence of the TSC1 protein. It affects a nucleotide within the consensus splice site of the intron. Nucleotide substitutions within the consensus splice site are a relatively common cause of aberrant splicing (PMID: 17576681, 9536098). Algorithms developed to predict the effect of sequence changes on RNA splicing suggest that this variant is not likely to affect RNA splicing, but this prediction has not been confirmed by published transcriptional studies. In summary, the available evidence is currently insufficient to determine the role of this variant in disease. Therefore, it has been classified as a Variant of Uncertain Significance.

Literature cited by the submitters: PubMed 17576681 (cited by Labcorp Genetics (formerly Invitae), Labcorp); PubMed 9536098 (cited by Labcorp Genetics (formerly Invitae), Labcorp).